The following is an entry in ClinVar:

NM_001130009.3(GEN1):c.523A>C (p.Lys175Gln)

Gene: GEN1 (GEN1 structure-specific endonuclease; plus strand). Cytogenetic location: 2p24.2.
Variant type: single nucleotide variant.
Coding change: c.523A>C on transcript NM_001130009.3 (MANE Select); coding-DNA position 523, A replaced by C.
Protein change: p.Lys175Gln; replaces lysine 175 with glutamine.
Molecular consequence: missense variant.
Genome position (GRCh38, 1-based): chr2:17,765,071, A>C. VCF-style: chr2-17765071-A-C. GRCh37 (hg19) VCF-style: chr2-17946338-A-C.
Other names: c.523A>C, p.Lys175Gln (NM_182625.5); c.523A>C (NM_001130009.1); short protein forms K175Q.
Identifiers: ClinVar variation 1008303 (VCV001008303.9), dbSNP rs765060095, ClinGen allele CA1540442.

ClinVar aggregate classification (germline): Uncertain significance. Review status: criteria provided, multiple submitters, no conflicts (2 of 4 stars). 2 submissions from 2 submitters: Uncertain significance (2). Last evaluated 2025-06-27.

Allele frequency attached by ClinVar (database versions not stated): gnomAD exomes below 0.00001; ExAC 0.00001; gnomAD 0.00001; TOPMed 0.00001.
gnomAD v4.1: 1 of 1,613,140 alleles (0.000062%); highest among the groups gnomAD compares: African/African-American, 0.0013%; no homozygotes.

Submissions (2):

Ambry Genetics
Classification: Uncertain significance. Last evaluated: 2025-06-27. Review status: criteria provided, single submitter. Criteria: Ambry Variant Classification Scheme 2023. Collection method: clinical testing. Allele origin: germline.
Comment: The p.K175Q variant (also known as c.523A>C), located in coding exon 3 of the GEN1 gene, results from an A to C substitution at nucleotide position 523. The lysine at codon 175 is replaced by glutamine, an amino acid with similar properties. This amino acid position is conserved. In addition, this alteration is predicted to be tolerated by in silico analysis. Based on the available evidence, the clinical significance of this variant remains unclear.

Labcorp Genetics (formerly Invitae), Labcorp
Classification: Uncertain significance. Last evaluated: 2020-10-10. Review status: criteria provided, single submitter. Criteria: Invitae Variant Classification Sherloc (09022015). Collection method: clinical testing. Allele origin: germline.
Comment: In summary, the available evidence is currently insufficient to determine the role of this variant in disease. Therefore, it has been classified as a Variant of Uncertain Significance. Algorithms developed to predict the effect of sequence changes on RNA splicing suggest that this variant may create or strengthen a splice site, but this prediction has not been confirmed by published transcriptional studies. Algorithms developed to predict the effect of missense changes on protein structure and function output the following: SIFT: "Tolerated"; PolyPhen-2: "Possibly Damaging"; Align-GVGD: "Class C0". The glutamine amino acid residue is found in multiple mammalian species, suggesting that this missense change does not adversely affect protein function. These predictions have not been confirmed by published functional studies and their clinical significance is uncertain. This variant has not been reported in the literature in individuals with GEN1-related conditions. This variant is present in population databases (rs765060095, ExAC 0.01%). This sequence change replaces lysine with glutamine at codon 175 of the GEN1 protein (p.Lys175Gln). The lysine residue is highly conserved and there is a small physicochemical difference between lysine and glutamine.